The following is an entry in ClinVar:

ClinVar aggregate classification (germline): Benign/Likely benign. Review status: criteria provided, multiple submitters, no conflicts (2 of 4 stars). 2 submissions from 2 submitters: Benign (1); Likely benign (1). Last evaluated 2026-01-31.

Conditions:
Hypertrophic cardiomyopathy. Also called: HYPERTROPHIC MYOCARDIOPATHY. Identifiers: Orphanet 217569, MedGen C0007194, MeSH D002312, MONDO:0005045, HP:0001639.

Allele frequency attached by ClinVar (database versions not stated): TOPMed 0.00002; gnomAD 0.00003 and 0.00007; ExAC 0.00017; gnomAD exomes 0.00017; 1000 Genomes Project 0.00040; 1000 Genomes Project 30x 0.00047.
gnomAD v4.1: 194 of 1,607,970 alleles (0.012%); highest among the groups gnomAD compares: South Asian, 0.14%; 2 homozygotes.

Submissions (2):

Labcorp Genetics (formerly Invitae), Labcorp
Classification: Benign for Hypertrophic cardiomyopathy. Last evaluated: 2026-01-31. Review status: criteria provided, single submitter. Criteria: Invitae Variant Classification Sherloc (09022015). Collection method: clinical testing. Allele origin: germline.

GeneDx
Classification: Likely benign. Last evaluated: 2017-06-27. Review status: criteria provided, single submitter. Criteria: GeneDx Variant Classification (06012015). Collection method: clinical testing. Allele origin: germline. Affected: yes.
Comment: This variant is considered likely benign or benign based on one or more of the following criteria: it is a conservative change, it occurs at a poorly conserved position in the protein, it is predicted to be benign by multiple in silico algorithms, and/or has population frequency not consistent with disease.

NM_020433.5(JPH2):c.379+20C>T

Gene: JPH2 (junctophilin 2; minus strand). Cytogenetic location: 20q13.12.
Variant type: single nucleotide variant.
Coding change: c.379+20C>T on transcript NM_020433.5 (MANE Select); 20 bases into the intron after coding-DNA position 379, C replaced by T.
Molecular consequence: intron variant.
Genome position (GRCh38, 1-based): chr20:44,186,307, G>A on the plus strand (C>T on the coding strand, the complement: JPH2 is on the minus strand). VCF-style: chr20-44186307-G-A. GRCh37 (hg19) VCF-style: chr20-42814947-G-A.
Other names: c.379+20C>T (NM_175913.4).
Identifiers: ClinVar variation 510421 (VCV000510421.9), dbSNP rs551866698, ClinGen allele CA9868881.